The following is an entry in ClinVar:

ClinVar aggregate classification (germline): Uncertain significance (1 of 4 stars; one submission).

gnomAD v4.1: 1 of 1,614,196 alleles (0.000062%); highest among the groups gnomAD compares: Non-Finnish European, 0.000085%; no homozygotes.

Submission:

Labcorp Genetics (formerly Invitae), Labcorp
Classification: Uncertain significance. Last evaluated: 2025-06-24. Review status: criteria provided, single submitter. Criteria: Invitae Variant Classification Sherloc (09022015). Collection method: clinical testing. Allele origin: germline.
Comment: This sequence change replaces leucine, which is neutral and non-polar, with glutamine, which is neutral and polar, at codon 781 of the CACNA1D protein (p.Leu781Gln). This variant is not present in population databases (gnomAD no frequency). This variant has not been reported in the literature in individuals affected with CACNA1D-related conditions. Invitae Evidence Modeling of protein sequence and biophysical properties (such as structural, functional, and spatial information, amino acid conservation, physicochemical variation, residue mobility, and thermodynamic stability) indicates that this missense variant is not expected to disrupt CACNA1D protein function with a negative predictive value of 80%. In summary, the available evidence is currently insufficient to determine the role of this variant in disease. Therefore, it has been classified as a Variant of Uncertain Significance.

NM_001128840.3(CACNA1D):c.2282T>A (p.Leu761Gln)

Gene: CACNA1D (calcium voltage-gated channel subunit alpha1 D; plus strand). Cytogenetic location: 3p21.1.
Variant type: single nucleotide variant.
Coding change: c.2282T>A on transcript NM_001128840.3 (MANE Select); coding-DNA position 2282, T replaced by A.
Protein change: p.Leu761Gln; replaces leucine 761 with glutamine.
Molecular consequence: missense variant.
Genome position (GRCh38, 1-based): chr3:53,730,502, T>A. VCF-style: chr3-53730502-T-A. GRCh37 (hg19) VCF-style: chr3-53764529-T-A.
Other names: c.2342T>A, p.Leu781Gln (NM_000720.4); c.2282T>A, p.Leu761Gln (NM_001128839.3); short protein forms L761Q, L781Q.
Identifiers: ClinVar variation 4743348 (VCV004743348.1).